The following is an entry in ClinVar:

NM_201550.4(LRRC10):c.516C>G (p.Ile172Met)

Gene: LRRC10 (leucine rich repeat containing 10; minus strand). Cytogenetic location: 12q15.
Variant type: single nucleotide variant.
Coding change: c.516C>G on transcript NM_201550.4 (MANE Select); coding-DNA position 516, C replaced by G.
Protein change: p.Ile172Met; replaces isoleucine 172 with methionine.
Molecular consequence: missense variant.
Genome position (GRCh38, 1-based): chr12:69,610,323, G>C on the plus strand (C>G on the coding strand, the complement: LRRC10 is on the minus strand). VCF-style: chr12-69610323-G-C. GRCh37 (hg19) VCF-style: chr12-70004103-G-C.
Other names: short protein forms I172M.
Identifiers: ClinVar variation 1440492 (VCV001440492.6), dbSNP rs2135869114, ClinGen allele CA385736282.

ClinVar aggregate classification (germline): Uncertain significance (1 of 4 stars; one submission).

Submission:

Labcorp Genetics (formerly Invitae), Labcorp
Classification: Uncertain significance. Last evaluated: 2021-11-24. Review status: criteria provided, single submitter. Criteria: Invitae Variant Classification Sherloc (09022015). Collection method: clinical testing. Allele origin: germline.
Comment: In summary, the available evidence is currently insufficient to determine the role of this variant in disease. Therefore, it has been classified as a Variant of Uncertain Significance. Algorithms developed to predict the effect of missense changes on protein structure and function are either unavailable or do not agree on the potential impact of this missense change (SIFT: "Deleterious"; PolyPhen-2: "Probably Damaging"; Align-GVGD: "Class C0"). This variant has not been reported in the literature in individuals affected with LRRC10-related conditions. This variant is not present in population databases (gnomAD no frequency). This sequence change replaces isoleucine, which is neutral and non-polar, with methionine, which is neutral and non-polar, at codon 172 of the LRRC10 protein (p.Ile172Met).